The following is an entry in ClinVar:

NM_001378454.1(ALMS1):c.5944A>G (p.Ile1982Val)

Gene: ALMS1 (ALMS1 centrosome and basal body associated protein; plus strand). Cytogenetic location: 2p13.1.
Variant type: single nucleotide variant.
Coding change: c.5944A>G on transcript NM_001378454.1 (MANE Select); coding-DNA position 5944, A replaced by G.
Protein change: p.Ile1982Val; replaces isoleucine 1982 with valine.
Molecular consequence: missense variant.
Genome position (GRCh38, 1-based): chr2:73,452,471, A>G. VCF-style: chr2-73452471-A-G. GRCh37 (hg19) VCF-style: chr2-73679598-A-G.
Other names: c.5947A>G, p.Ile1983Val (NM_015120.4); short protein forms I1982V, I1983V.
Identifiers: ClinVar variation 2148086 (VCV002148086.1), dbSNP rs1671966406, ClinGen allele CA347284050.

ClinVar aggregate classification (germline): Uncertain significance (1 of 4 stars; one submission).

Conditions:
Alstrom syndrome (ALMS). Identifiers: Orphanet 64, MedGen C0268425, MONDO:0008763, OMIM 203800.

Allele frequency attached by ClinVar (database versions not stated): gnomAD exomes below 0.00001; gnomAD 0.00001.
gnomAD v4.1: 3 of 1,613,980 alleles (0.00019%); highest among the groups gnomAD compares: South Asian, 0.0022%; no homozygotes.

Submission:

Labcorp Genetics (formerly Invitae), Labcorp
Classification: Uncertain significance for Alstrom syndrome. Last evaluated: 2022-01-05. Review status: criteria provided, single submitter. Criteria: Invitae Variant Classification Sherloc (09022015). Collection method: clinical testing. Allele origin: germline.
Comment: This sequence change replaces isoleucine, which is neutral and non-polar, with valine, which is neutral and non-polar, at codon 1983 of the ALMS1 protein (p.Ile1983Val). This variant is not present in population databases (gnomAD no frequency). This variant has not been reported in the literature in individuals affected with ALMS1-related conditions. Experimental studies and prediction algorithms are not available or were not evaluated, and the functional significance of this variant is currently unknown. In summary, the available evidence is currently insufficient to determine the role of this variant in disease. Therefore, it has been classified as a Variant of Uncertain Significance.